The following is an entry in ClinVar:

NM_182961.4(SYNE1):c.21612C>T (p.Pro7204=)

Genes: SYNE1 (spectrin repeat containing nuclear envelope protein 1; minus strand), LOC126859836 (MED14-independent group 3 enhancer GRCh37_chr6:152542272-152543471; plus strand). Cytogenetic location: 6q25.2.
Variant type: single nucleotide variant.
Coding change: c.21612C>T on transcript NM_182961.4 (MANE Select); coding-DNA position 21612, C replaced by T.
Protein change: p.Pro7204=; no amino-acid change (proline 7204 retained).
Molecular consequence: synonymous variant.
Genome position (GRCh38, 1-based): chr6:152,221,470, G>A on the plus strand (C>T on the coding strand, the complement: SYNE1 is on the minus strand). VCF-style: chr6-152221470-G-A. GRCh37 (hg19) VCF-style: chr6-152542605-G-A.
Other names: c.21399C>T, p.Pro7133= (NM_033071.5).
Identifiers: ClinVar variation 284568 (VCV000284568.60), dbSNP rs141170182, ClinGen allele CA4054101.
Genomic context (GRCh38, chr6:152,221,470, plus strand): 5'-TTAACATACTCCATACCTCATGTTGACTTCTTTCAGTGTATTGGTAAGAGTTTCTGTCAC[G>A]GGTGGGTGACACTCTTTTAATAATTGGTTGGTGATAGAGCCAAATTTCTGTAAGCTCCTT-3'
Protein context (NP_892006.3, residues 7194-7214): TNQLLKECHP[Pro7204=]VTETLTNTLK

ClinVar aggregate classification (germline): Conflicting classifications of pathogenicity. Review status: criteria provided, conflicting classifications (1 of 4 stars). 5 submissions from 5 submitters: Uncertain significance (1); Likely benign (4). Last evaluated 2026-02-01.

Conditions:
Emery-Dreifuss muscular dystrophy 4, autosomal dominant (EDMD4). Also called: EMERY-DREIFUSS MUSCULAR DYSTROPHY 4 WITH VARIABLE FEATURES. Identifiers: Orphanet 261, MedGen C2751807, MONDO:0013071, OMIM 612998.
Autosomal recessive ataxia, Beauce type. Also called: SYNE1 Deficiency; SYNE1-Related Autosomal Recessive Cerebellar Ataxia; ATAXIA, RECESSIVE, OF BEAUCE; Spinocerebellar ataxia, autosomal recessive 8. Identifiers: Orphanet 88644, MedGen C1853116, MONDO:0012549, OMIM 610743.

Allele frequency attached by ClinVar (database versions not stated): ExAC 0.00011; gnomAD exomes 0.00011 and 0.00014; gnomAD 0.00012 and 0.00013; TOPMed 0.00014; ESP Exome Variant Server 0.00046.
gnomAD v4.1: 178 of 1,613,620 alleles (0.011%); highest among the groups gnomAD compares: Admixed American, 0.028%; no homozygotes.

Submissions (5):

CeGaT Center for Human Genetics Tuebingen
Classification: Likely benign. Last evaluated: 2026-02-01. Review status: criteria provided, single submitter. Criteria: CeGaT Center For Human Genetics Tuebingen Variant Classification Criteria Version 2. Collection method: clinical testing. Allele origin: germline. Affected: yes. Observed: 4 variant alleles.
Comment: SYNE1: BP4, BP7

Labcorp Genetics (formerly Invitae), Labcorp
Classification: Likely benign for Emery-Dreifuss muscular dystrophy 4, autosomal dominant; Autosomal recessive ataxia, Beauce type. Last evaluated: 2025-09-29. Review status: criteria provided, single submitter. Criteria: Invitae Variant Classification Sherloc (09022015). Collection method: clinical testing. Allele origin: germline.

Blueprint Genetics
Classification: Likely benign. Last evaluated: 2024-07-01. Review status: criteria provided, single submitter. Criteria: ACMG Guidelines, 2015. Collection method: clinical testing. Allele origin: germline.

Athena Diagnostics
Classification: Likely benign. Last evaluated: 2020-06-15. Review status: criteria provided, single submitter. Criteria: Athena Diagnostics Criteria. Collection method: clinical testing. Allele origin: unknown.

Eurofins Ntd Llc (ga)
Classification: Uncertain significance. Last evaluated: 2016-11-03. Review status: criteria provided, single submitter. Criteria: EGL Classification Definitions 2015. Collection method: clinical testing. Allele origin: germline. Observed: 5 variant alleles, 5 heterozygotes.